The following is an entry in ClinVar:

NM_002506.3(NGF):c.95T>C (p.Ile32Thr)

Genes: NGF (nerve growth factor; minus strand), NGF-AS1 (NGF antisense RNA 1; plus strand). Cytogenetic location: 1p13.2.
Variant type: single nucleotide variant.
Coding change: c.95T>C on transcript NM_002506.3 (MANE Select); coding-DNA position 95, T replaced by C.
Protein change: p.Ile32Thr; replaces isoleucine 32 with threonine.
Molecular consequence: missense variant.
Genome position (GRCh38, 1-based): chr1:115,286,701, A>G on the plus strand (T>C on the coding strand, the complement: NGF is on the minus strand). VCF-style: chr1-115286701-A-G. GRCh37 (hg19) VCF-style: chr1-115829322-A-G.
Other names: short protein forms I32T.
Identifiers: ClinVar variation 1963302 (VCV001963302.5), dbSNP rs2525332023, ClinGen allele CA341837247.

ClinVar aggregate classification (germline): Uncertain significance (1 of 4 stars; one submission).

Conditions:
Congenital sensory neuropathy with selective loss of small myelinated fibers (HSAN5). Also called: HSAN Type V. Identifiers: Orphanet 64752, MedGen C0020075, MONDO:0012092, OMIM 608654.

Allele frequency attached by ClinVar (database versions not stated): gnomAD exomes below 0.00001.
gnomAD v4.1: 1 of 1,613,994 alleles (0.000062%); highest among the groups gnomAD compares: Admixed American, 0.0017%; no homozygotes.

Submission:

Labcorp Genetics (formerly Invitae), Labcorp
Classification: Uncertain significance for Congenital sensory neuropathy with selective loss of small myelinated fibers. Last evaluated: 2022-05-15. Review status: criteria provided, single submitter. Criteria: Invitae Variant Classification Sherloc (09022015). Collection method: clinical testing. Allele origin: germline.
Comment: In summary, the available evidence is currently insufficient to determine the role of this variant in disease. Therefore, it has been classified as a Variant of Uncertain Significance. Algorithms developed to predict the effect of missense changes on protein structure and function (SIFT, PolyPhen-2, Align-GVGD) all suggest that this variant is likely to be tolerated. This variant has not been reported in the literature in individuals affected with NGF-related conditions. This variant is not present in population databases (gnomAD no frequency). This sequence change replaces isoleucine, which is neutral and non-polar, with threonine, which is neutral and polar, at codon 32 of the NGF protein (p.Ile32Thr).